The following is an entry in ClinVar:

ClinVar aggregate classification (germline): Conflicting classifications of pathogenicity. Review status: criteria provided, conflicting classifications (1 of 4 stars). 3 submissions from 3 submitters: Pathogenic (1); Likely pathogenic (1); Uncertain significance (1). Last evaluated 2025-03-11.

Conditions:
Dilated cardiomyopathy 1II (CMD1II). Identifiers: Orphanet 154, MedGen C3554649, MONDO:0014073, OMIM 615184.

Allele frequency attached by ClinVar (database versions not stated): TOPMed below 0.00001; gnomAD exomes 0.00001 and 0.00002; gnomAD 0.00002 and 0.00004; ExAC 0.00005; ESP Exome Variant Server 0.00008; 1000 Genomes Project 30x 0.00016; 1000 Genomes Project 0.00020.
gnomAD v4.1: 17 of 1,599,392 alleles (0.0011%); highest among the groups gnomAD compares: South Asian, 0.011%; no homozygotes.

Submissions (3):

Labcorp Genetics (formerly Invitae), Labcorp
Classification: Pathogenic for Dilated cardiomyopathy 1II. Last evaluated: 2025-03-11. Review status: criteria provided, single submitter. Criteria: Invitae Variant Classification Sherloc (09022015). Collection method: clinical testing. Allele origin: germline.
Comment: This sequence change replaces arginine, which is basic and polar, with cysteine, which is neutral and slightly polar, at codon 12 of the CRYAB protein (p.Arg12Cys). The frequency data for this variant in the population databases is considered unreliable, as metrics indicate poor data quality at this position in the gnomAD database. This missense change has been observed in individual(s) with autosomal recessive congenital cataracts (PMID: 26402864). It has also been observed to segregate with disease in related individuals. ClinVar contains an entry for this variant (Variation ID: 1069484). An algorithm developed to predict the effect of missense changes on protein structure and function (PolyPhen-2) suggests that this variant is likely to be disruptive. Experimental studies have shown that this missense change affects CRYAB function (PMID: 27260392). For these reasons, this variant has been classified as Pathogenic.

Institute for Clinical Genetics, University Hospital TU Dresden, University Hospital TU Dresden
Classification: Likely pathogenic. Last evaluated: 2021-11-03. Review status: criteria provided, single submitter. Criteria: ACMG Guidelines, 2015. Collection method: clinical testing. Allele origin: germline.

GeneDx
Classification: Uncertain significance. Last evaluated: 2021-02-02. Review status: criteria provided, single submitter. Criteria: GeneDx Variant Classification Process June 2021. Collection method: clinical testing. Allele origin: germline. Affected: yes.
Comment: In silico analysis supports that this missense variant has a deleterious effect on protein structure/function; This variant is associated with the following publications: (PMID: 28640093, 31239701, 26402864)

Literature cited by the submitters: PubMed 26402864 (cited by Labcorp Genetics (formerly Invitae), Labcorp); PubMed 27260392 (cited by Labcorp Genetics (formerly Invitae), Labcorp).

NM_001289808.2(CRYAB):c.34C>T (p.Arg12Cys)

Gene: CRYAB (crystallin alpha B; minus strand). Cytogenetic location: 11q23.1.
Variant type: single nucleotide variant.
Coding change: c.34C>T on transcript NM_001289808.2 (MANE Select); coding-DNA position 34, C replaced by T.
Protein change: p.Arg12Cys; replaces arginine 12 with cysteine.
Molecular consequence: missense variant.
Genome position (GRCh38, 1-based): chr11:111,911,691, G>A on the plus strand (C>T on the coding strand, the complement: CRYAB is on the minus strand). VCF-style: chr11-111911691-G-A. GRCh37 (hg19) VCF-style: chr11-111782415-G-A.
Other names: c.34C>T, p.Arg12Cys (NM_001289807.1, NM_001368245.1, NM_001885.3); short protein forms R12C.
Identifiers: ClinVar variation 1069484 (VCV001069484.30), dbSNP rs375933774, ClinGen allele CA6275584.